The following is an entry in ClinVar:

NM_138477.4(CDAN1):c.1706G>A (p.Gly569Asp)

Gene: CDAN1 (codanin 1; minus strand). Cytogenetic location: 15q15.2.
Variant type: single nucleotide variant.
Coding change: c.1706G>A on transcript NM_138477.4 (MANE Select); coding-DNA position 1706, G replaced by A.
Protein change: p.Gly569Asp; replaces glycine 569 with aspartic acid.
Molecular consequence: missense variant.
Genome position (GRCh38, 1-based): chr15:42,731,653, C>T on the plus strand (G>A on the coding strand, the complement: CDAN1 is on the minus strand). VCF-style: chr15-42731653-C-T. GRCh37 (hg19) VCF-style: chr15-43023851-C-T.
Other names: p.Gly569Asp; short protein forms G569D.
Identifiers: ClinVar variation 2683291 (VCV002683291.1), dbSNP rs373357147, ClinGen allele CA7515970.
Genomic context (GRCh38, chr15:42,731,653, plus strand): 5'-TTCCTTGCAAGACACAGGGGAGCCTACCTGCTGGCACTAAGGATGAAGTCCCTAAAGAAG[C>T]CTTGACAGCCTGGGAAGGTGGGGGGTGGGCAGGGCCCCCCACTGCTCTGAGGAGCCATAA-3'
Protein context (NP_612486.2, residues 559-579): CPPPTFPGCQ[Gly569Asp]FFRDFILSAS

ClinVar aggregate classification (germline): Uncertain significance (1 of 4 stars; one submission).

Allele frequency attached by ClinVar (database versions not stated): TOPMed below 0.00001; ExAC 0.00002; gnomAD 0.00002; gnomAD exomes 0.00002; ESP Exome Variant Server 0.00008.
gnomAD v4.1: 14 of 1,614,026 alleles (0.00087%); highest among the groups gnomAD compares: Non-Finnish European, 0.00017%; no homozygotes.

Submission:

Mayo Clinic Laboratories, Mayo Clinic
Classification: Uncertain significance. Last evaluated: 2022-10-20. Review status: criteria provided, single submitter. Criteria: ACMG Guidelines, 2015. Collection method: clinical testing. Allele origin: germline. Observed: 1 variant allele.
Comment: PM2